The following is an entry in ClinVar:

ClinVar aggregate classification (germline): Uncertain significance (1 of 4 stars; one submission).

Submission:

Labcorp Genetics (formerly Invitae), Labcorp
Classification: Uncertain significance. Last evaluated: 2023-10-17. Review status: criteria provided, single submitter. Criteria: Invitae Variant Classification Sherloc (09022015). Collection method: clinical testing. Allele origin: germline.
Comment: This sequence change replaces valine, which is neutral and non-polar, with methionine, which is neutral and non-polar, at codon 157 of the NOG protein (p.Val157Met). This variant is not present in population databases (gnomAD no frequency). This variant has not been reported in the literature in individuals affected with NOG-related conditions. An algorithm developed to predict the effect of missense changes on protein structure and function (PolyPhen-2) suggests that this variant is likely to be disruptive. In summary, the available evidence is currently insufficient to determine the role of this variant in disease. Therefore, it has been classified as a Variant of Uncertain Significance.

NM_005450.6(NOG):c.469G>A (p.Val157Met)

Gene: NOG (noggin; plus strand). Cytogenetic location: 17q22.
Variant type: single nucleotide variant.
Coding change: c.469G>A on transcript NM_005450.6 (MANE Select); coding-DNA position 469, G replaced by A.
Protein change: p.Val157Met; replaces valine 157 with methionine.
Molecular consequence: missense variant.
Genome position (GRCh38, 1-based): chr17:56,594,692, G>A. VCF-style: chr17-56594692-G-A. GRCh37 (hg19) VCF-style: chr17-54672053-G-A.
Other names: short protein forms V157M.
Identifiers: ClinVar variation 2769579 (VCV002769579.3), dbSNP rs2545137805, ClinGen allele CA399966265.